The following is an entry in ClinVar:

NM_003839.4(TNFRSF11A):c.275G>T (p.Cys92Phe)

Gene: TNFRSF11A (TNF receptor superfamily member 11a; plus strand). Cytogenetic location: 18q21.33.
Variant type: single nucleotide variant.
Coding change: c.275G>T on transcript NM_003839.4 (MANE Select); coding-DNA position 275, G replaced by T.
Protein change: p.Cys92Phe; replaces cysteine 92 with phenylalanine.
Molecular consequence: missense variant.
Genome position (GRCh38, 1-based): chr18:62,349,929, G>T. VCF-style: chr18-62349929-G-T. GRCh37 (hg19) VCF-style: chr18-60017162-G-T.
Other names: c.275G>T, p.Cys92Phe (NM_001270949.2, NM_001270950.2, NM_001270951.2 and 1 more transcripts); short protein forms C92F.
Identifiers: ClinVar variation 3363866 (VCV003363866.1).

ClinVar aggregate classification (germline): Uncertain significance (1 of 4 stars; one submission).

Submission:

GeneDx
Classification: Uncertain significance. Last evaluated: 2023-11-01. Review status: criteria provided, single submitter. Criteria: GeneDx Variant Classification Process June 2021. Collection method: clinical testing. Allele origin: germline. Affected: yes.
Comment: Not observed at significant frequency in large population cohorts (gnomAD); In silico analysis supports that this missense variant has a deleterious effect on protein structure/function; Has not been previously published as pathogenic or benign to our knowledge